The following is an entry in ClinVar:

NM_005045.4(RELN):c.8130C>A (p.His2710Gln)

Genes: SLC26A5-AS1 (SLC26A5 antisense RNA 1; plus strand), RELN (reelin; minus strand). Cytogenetic location: 7q22.1.
Variant type: single nucleotide variant.
Coding change: c.8130C>A on transcript NM_005045.4 (MANE Select); coding-DNA position 8130, C replaced by A.
Protein change: p.His2710Gln; replaces histidine 2710 with glutamine.
Molecular consequence: missense variant.
Genome position (GRCh38, 1-based): chr7:103,510,995, G>T on the plus strand (C>A on the coding strand, the complement: RELN is on the minus strand). VCF-style: chr7-103510995-G-T. GRCh37 (hg19) VCF-style: chr7-103151442-G-T.
Other names: c.8130C>A, p.His2710Gln (NM_173054.3); short protein forms H2710Q.
Identifiers: ClinVar variation 2951455 (VCV002951455.3), dbSNP rs2484732618, ClinGen allele CA368761962.

ClinVar aggregate classification (germline): Uncertain significance (1 of 4 stars; one submission).

Conditions:
Norman-Roberts syndrome (LIS2). Also called: Lissencephaly 2 (Norman-Roberts type). Identifiers: Orphanet 89844, MedGen C0796089, MONDO:0009760, OMIM 257320.
Familial temporal lobe epilepsy 7. Identifiers: Orphanet 101046, MedGen C4225327, MONDO:0014639, OMIM 616436.

Submission:

Labcorp Genetics (formerly Invitae), Labcorp
Classification: Uncertain significance for Familial temporal lobe epilepsy 7; Norman-Roberts syndrome. Last evaluated: 2023-08-30. Review status: criteria provided, single submitter. Criteria: Invitae Variant Classification Sherloc (09022015). Collection method: clinical testing. Allele origin: germline.
Comment: This sequence change replaces histidine, which is basic and polar, with glutamine, which is neutral and polar, at codon 2710 of the RELN protein (p.His2710Gln). In summary, the available evidence is currently insufficient to determine the role of this variant in disease. Therefore, it has been classified as a Variant of Uncertain Significance. Advanced modeling of protein sequence and biophysical properties (such as structural, functional, and spatial information, amino acid conservation, physicochemical variation, residue mobility, and thermodynamic stability) performed at Invitae indicates that this missense variant is not expected to disrupt RELN protein function. This variant has not been reported in the literature in individuals affected with RELN-related conditions. This variant is not present in population databases (gnomAD no frequency).